The following is an entry in ClinVar:

NM_019842.4(KCNQ5):c.1624C>T (p.Arg542Cys)

Gene: KCNQ5 (potassium voltage-gated channel subfamily Q member 5; plus strand). Cytogenetic location: 6q13.
Variant type: single nucleotide variant.
Coding change: c.1624C>T on transcript NM_019842.4 (MANE Select); coding-DNA position 1624, C replaced by T.
Protein change: p.Arg542Cys; replaces arginine 542 with cysteine.
Molecular consequence: missense variant.
Genome position (GRCh38, 1-based): chr6:73,190,619, C>T. VCF-style: chr6-73190619-C-T. GRCh37 (hg19) VCF-style: chr6-73900342-C-T.
Other names: c.1597C>T, p.Arg533Cys (NM_001160130.2); c.1654C>T, p.Arg552Cys (NM_001160132.2); c.1681C>T, p.Arg561Cys (NM_001160133.2); c.1294C>T, p.Arg432Cys (NM_001160134.2); short protein forms R533C, R542C, R561C, R552C, R432C.
Identifiers: ClinVar variation 1475261 (VCV001475261.9), dbSNP rs763963230, ClinGen allele CA3887112.

ClinVar aggregate classification (germline): Uncertain significance. Review status: criteria provided, multiple submitters, no conflicts (2 of 4 stars). 2 submissions from 2 submitters: Uncertain significance (2). Last evaluated 2024-01-10.

Conditions:
Intellectual developmental disorder, autosomal dominant 46. Also called: MENTAL RETARDATION, AUTOSOMAL DOMINANT 46; Intellectual disability, autosomal dominant 46. Identifiers: MedGen C4539851, MONDO:0030911, OMIM 617601.

Allele frequency attached by ClinVar (database versions not stated): TOPMed below 0.00001; ExAC 0.00001; gnomAD exomes below 0.00001; gnomAD 0.00001.
gnomAD v4.1: 4 of 1,571,982 alleles (0.00025%); highest among the groups gnomAD compares: Non-Finnish European, 0.00035%; no homozygotes.

Submissions (2):

Illumina Laboratory Services, Illumina
Classification: Uncertain significance for Intellectual developmental disorder, autosomal dominant 46. Last evaluated: 2024-01-10. Review status: criteria provided, single submitter. Criteria: ISL SNV Classification Criteria 03 February 2026. Collection method: clinical testing. Allele origin: unknown.
Comment: The KCNQ5 c.1681C>T p.(Arg561Cys) missense variant has not, to our knowledge, been reported in the peer-reviewed literature. This variant is reported in the Genome Aggregation Database at a frequency of 0.000003 in the European (Non-Finnish) population (version 4.0.0). Multiple lines of computational evidence suggest the variant may impact the gene or gene product. Based on the available evidence, the c.1681C>T p.(Arg561Cys) variant is classified as a variant of uncertain significance for intellectual developmental disorder.

Labcorp Genetics (formerly Invitae), Labcorp
Classification: Uncertain significance. Last evaluated: 2023-10-03. Review status: criteria provided, single submitter. Criteria: Invitae Variant Classification Sherloc (09022015). Collection method: clinical testing. Allele origin: germline.
Comment: This sequence change replaces arginine, which is basic and polar, with cysteine, which is neutral and slightly polar, at codon 561 of the KCNQ5 protein (p.Arg561Cys). The frequency data for this variant in the population databases is considered unreliable, as metrics indicate poor data quality at this position in the gnomAD database. This variant has not been reported in the literature in individuals affected with KCNQ5-related conditions. ClinVar contains an entry for this variant (Variation ID: 1475261). Advanced modeling of protein sequence and biophysical properties (such as structural, functional, and spatial information, amino acid conservation, physicochemical variation, residue mobility, and thermodynamic stability) performed at Invitae indicates that this missense variant is expected to disrupt KCNQ5 protein function. In summary, the available evidence is currently insufficient to determine the role of this variant in disease. Therefore, it has been classified as a Variant of Uncertain Significance.